The following is an entry in ClinVar:

NM_021971.4(GMPPB):c.714G>T (p.Gln238His)

Gene: GMPPB (GDP-mannose pyrophosphorylase B; minus strand). Cytogenetic location: 3p21.31.
Variant type: single nucleotide variant.
Coding change: c.714G>T on transcript NM_021971.4 (MANE Select); coding-DNA position 714, G replaced by T.
Protein change: p.Gln238His; replaces glutamine 238 with histidine.
Molecular consequence: missense variant.
Genome position (GRCh38, 1-based): chr3:49,722,285, C>A on the plus strand (G>T on the coding strand, the complement: GMPPB is on the minus strand). VCF-style: chr3-49722285-C-A. GRCh37 (hg19) VCF-style: chr3-49759718-C-A.
Other names: c.714G>T (NM_013334.3); c.714G>T, p.Gln238His (NM_013334.4); short protein forms Q238H.
Identifiers: ClinVar variation 2099219 (VCV002099219.7), dbSNP rs1436093055, ClinGen allele CA352828136.

ClinVar aggregate classification (germline): Uncertain significance. Review status: criteria provided, multiple submitters, no conflicts (2 of 4 stars). 2 submissions from 2 submitters: Uncertain significance (2). Last evaluated 2022-05-04.

Conditions:
Muscular dystrophy-dystroglycanopathy (congenital with impaired intellectual development), type B, 14. Also called: Muscular dystrophy-dystroglycanopathy (congenital with intellectual disability), type B14; MUSCULAR DYSTROPHY, CONGENITAL, GMPPB-RELATED; Congenital muscular dystrophy-dystroglycanopathy with mental retardation, type B14. Identifiers: MedGen C3809221, MONDO:0014141, OMIM 615351.
Muscular dystrophy-dystroglycanopathy (congenital with brain and eye anomalies), type A14. Also called: WALKER-WARBURG SYNDROME OR MUSCLE-EYE-BRAIN DISEASE, GMPPB-RELATED; Muscular dystrophy-dystroglycanopathy (congenital with brain and eye anomalies), type a, 14; Congenital Muscular Dystrophy-Dystroglycanopathy with Brain and Eye Anomalies Type A 14; Congenital muscular dystrophy-dystroglycanopathy with brain and eye anomalies, type A14. Identifiers: Orphanet 588, MedGen C3809216, MONDO:0014140, OMIM 615350.
Autosomal recessive limb-girdle muscular dystrophy type 2T. Also called: MUSCULAR DYSTROPHY-DYSTROGLYCANOPATHY, LIMB-GIRDLE, GMPPB-RELATED; MUSCULAR DYSTROPHY, LIMB-GIRDLE, TYPE 2T; Muscular dystrophy-dystroglycanopathy (limb-girdle), type c, 14; Limb-girdle muscular dystrophy-dystroglycanopathy, type C14. Identifiers: Orphanet 363623, MedGen C4518000, MONDO:0014142, OMIM 615352.

Allele frequency attached by ClinVar (database versions not stated): gnomAD exomes below 0.00001; TOPMed below 0.00001.

Submissions (2):

Labcorp Genetics (formerly Invitae), Labcorp
Classification: Uncertain significance for Autosomal recessive limb-girdle muscular dystrophy type 2T; Muscular dystrophy-dystroglycanopathy (congenital with brain and eye anomalies), type A14; Muscular dystrophy-dystroglycanopathy (congenital with impaired intellectual development), type B, 14. Last evaluated: 2022-05-04. Review status: criteria provided, single submitter. Criteria: Invitae Variant Classification Sherloc (09022015). Collection method: clinical testing. Allele origin: germline.
Comment: This sequence change replaces glutamine, which is neutral and polar, with histidine, which is basic and polar, at codon 238 of the GMPPB protein (p.Gln238His). In summary, the available evidence is currently insufficient to determine the role of this variant in disease. Therefore, it has been classified as a Variant of Uncertain Significance. Advanced modeling of protein sequence and biophysical properties (such as structural, functional, and spatial information, amino acid conservation, physicochemical variation, residue mobility, and thermodynamic stability) performed at Invitae indicates that this missense variant is not expected to disrupt GMPPB protein function. This missense change has been observed in individual(s) with clinical features of GMPPB-related conditions (PMID: 32056211). This variant is present in population databases (no rsID available, gnomAD 0.0009%).

Revvity Omics, Revvity
Classification: Uncertain significance. Last evaluated: 2019-06-14. Review status: criteria provided, single submitter. Criteria: ACMG Guidelines, 2015. Collection method: clinical testing. Allele origin: germline.

Literature cited by the submitters: PubMed 32056211 (cited by Labcorp Genetics (formerly Invitae), Labcorp).